The following is an entry in ClinVar:

ClinVar aggregate classification (germline): Likely benign. Review status: criteria provided, multiple submitters, no conflicts (2 of 4 stars). 5 submissions from 5 submitters: Likely benign (3). 2 of the submissions do not count toward it. Last evaluated 2024-10-02.

Conditions:
Neurofibromatosis, type 1 (NF1). Also called: VON RECKLINGHAUSEN DISEASE; NEUROFIBROMATOSIS, TYPE I, SOMATIC; Peripheral type neurofibromatosis; Neurofibromatosis, type I. Identifiers: Orphanet 636, MedGen C0027831, MONDO:0018975, OMIM 162200. Disease mechanism: loss of function.
Intellectual disability. Also called: Intellectual developmental disorder; intellectual disabilities; Intellectual functioning disability. Identifiers: MedGen C3714756, MeSH D008607, MONDO:0001071, HP:0001249.
HECW2-related disorder. Also called: HECW2-related condition.

Allele frequency attached by ClinVar (database versions not stated): gnomAD 0.00015 and 0.00016; TOPMed 0.00019; gnomAD exomes 0.00020 and 0.00034; ESP Exome Variant Server 0.00031; ExAC 0.00035.
gnomAD v4.1: 510 of 1,606,960 alleles (0.032%); highest among the groups gnomAD compares: Non-Finnish European, 0.041%; no homozygotes.

Submissions (5):

Blueprint Genetics
Classification: Likely benign. Last evaluated: 2024-10-02. Review status: criteria provided, single submitter. Criteria: ACMG Guidelines, 2015. Collection method: clinical testing. Allele origin: germline.

CeGaT Center for Human Genetics Tuebingen
Classification: Likely benign. Last evaluated: 2023-05-01. Review status: criteria provided, single submitter. Criteria: CeGaT Center For Human Genetics Tuebingen Variant Classification Criteria Version 2. Collection method: clinical testing. Allele origin: germline. Affected: yes. Observed: 1 variant allele.
Comment: HECW2: BP4

Cambridge Genomics Laboratory, East Genomic Laboratory Hub, NHS Genomic Medicine Service
Classification: Likely benign for Neurofibromatosis, type 1. Last evaluated: 2020-04-29. Review status: criteria provided, single submitter. Criteria: ACGS Best Practice Guidelines for Variant Classification in Rare Disease 2020. Collection method: clinical testing. Allele origin: germline. Affected: yes. Observed: 1 variant allele.

PreventionGenetics, part of Exact Sciences
Classification: Likely benign for HECW2-related condition. Last evaluated: 2019-06-12. Review status: no assertion criteria provided. Collection method: clinical testing. Allele origin: germline. Not counted in ClinVar's aggregate classification.
Comment: This variant is classified as likely benign based on ACMG/AMP sequence variant interpretation guidelines (Richards et al. 2015 PMID: 25741868, with internal and published modifications).

Centre de Biologie Pathologie Génétique, Centre Hospitalier Universitaire de Lille
Classification: Likely benign for Intellectual disability. Last evaluated: 2019-01-01. Review status: no assertion criteria provided. Collection method: clinical testing. Allele origin: inherited. Affected: yes. Not counted in ClinVar's aggregate classification.

NM_001348768.2(HECW2):c.2434+6G>A

Gene: HECW2 (HECT, C2 and WW domain containing E3 ubiquitin protein ligase 2; minus strand). Cytogenetic location: 2q32.3.
Variant type: single nucleotide variant.
Coding change: c.2434+6G>A on transcript NM_001348768.2 (MANE Select); 6 bases into the intron after coding-DNA position 2434, G replaced by A.
Molecular consequence: intron variant.
Genome position (GRCh38, 1-based): chr2:196,317,268, C>T on the plus strand (G>A on the coding strand, the complement: HECW2 is on the minus strand). VCF-style: chr2-196317268-C-T. GRCh37 (hg19) VCF-style: chr2-197181992-C-T.
Other names: c.2434+6G>A (NM_020760.4); c.1366+6G>A (NM_001304840.3).
Identifiers: ClinVar variation 975709 (VCV000975709.28), dbSNP rs376334623, ClinGen allele CA2038092.